The following is an entry in ClinVar:

NM_032043.3(BRIP1):c.1454C>T (p.Ala485Val)

Gene: BRIP1 (BRCA1 interacting DNA helicase 1; minus strand). Cytogenetic location: 17q23.2.
Variant type: single nucleotide variant.
Coding change: c.1454C>T on transcript NM_032043.3 (MANE Select); coding-DNA position 1454, C replaced by T.
Protein change: p.Ala485Val; replaces alanine 485 with valine.
Molecular consequence: missense variant.
Genome position (GRCh38, 1-based): chr17:61,793,616, G>A on the plus strand (C>T on the coding strand, the complement: BRIP1 is on the minus strand). VCF-style: chr17-61793616-G-A. GRCh37 (hg19) VCF-style: chr17-59870977-G-A.
Other names: short protein forms A485V.
Identifiers: ClinVar variation 3825686 (VCV003825686.1).
Genomic context (GRCh38, chr17:61,793,616, plus strand): 5'-AATTCACTAAATACGTTTCACAGGTAGAAAAAATATCTTACCTGCAAAATGGGAAAAGTA[G>A]CAGTGGTGATACCCATTTTGTGTAAAGTTAAGAGCATTTCATTTCCACTCCATATTTTAC-3'
Protein context (NP_114432.2, residues 475-495): LTLHKMGITT[Ala485Val]TFPILQGHFS

ClinVar aggregate classification (germline): Uncertain significance (1 of 4 stars; one submission).

Conditions:
Hereditary cancer-predisposing syndrome. Also called: Hereditary neoplastic syndrome; Neoplastic Syndromes, Hereditary; Tumor predisposition; Hereditary Cancer Syndrome. Identifiers: Orphanet 140162, MedGen C0027672, MeSH D009386, MONDO:0015356.

Submission:

Ambry Genetics
Classification: Uncertain significance for Hereditary cancer-predisposing syndrome. Last evaluated: 2025-01-30. Review status: criteria provided, single submitter. Criteria: Ambry Variant Classification Scheme 2023. Collection method: clinical testing. Allele origin: germline.
Comment: The p.A485V variant (also known as c.1454C>T), located in coding exon 9 of the BRIP1 gene, results from a C to T substitution at nucleotide position 1454. The alanine at codon 485 is replaced by valine, an amino acid with similar properties. This amino acid position is conserved. In addition, this alteration is predicted to be tolerated by in silico analysis. Based on the available evidence, the clinical significance of this variant remains unclear.